The following is an entry in ClinVar:

ClinVar aggregate classification (germline): Uncertain significance. Review status: criteria provided, multiple submitters, no conflicts (2 of 4 stars). 2 submissions from 2 submitters: Uncertain significance (2). Last evaluated 2023-11-27.

gnomAD v4.1: 35 of 1,614,084 alleles (0.0022%); highest among the groups gnomAD compares: Middle Eastern, 0.049%; 1 homozygote.

Submissions (2):

Labcorp Genetics (formerly Invitae), Labcorp
Classification: Uncertain significance. Last evaluated: 2023-11-27. Review status: criteria provided, single submitter. Criteria: Invitae Variant Classification Sherloc (09022015). Collection method: clinical testing. Allele origin: germline.
Comment: This sequence change replaces serine, which is neutral and polar, with tryptophan, which is neutral and slightly polar, at codon 573 of the C8A protein (p.Ser573Trp). This variant is present in population databases (no rsID available, gnomAD 0.003%). This variant has not been reported in the literature in individuals affected with C8A-related conditions. ClinVar contains an entry for this variant (Variation ID: 1348993). An algorithm developed to predict the effect of missense changes on protein structure and function (PolyPhen-2) suggests that this variant¬†is likely to be tolerated. In summary, the available evidence is currently insufficient to determine the role of this variant in disease. Therefore, it has been classified as a Variant of Uncertain Significance.

Ambry Genetics
Classification: Uncertain significance. Last evaluated: 2023-04-07. Review status: criteria provided, single submitter. Criteria: Ambry Variant Classification Scheme 2023. Collection method: clinical testing. Allele origin: germline.

NM_000562.3(C8A):c.1718C>G (p.Ser573Trp)

Gene: C8A (complement C8 alpha chain; plus strand). Cytogenetic location: 1p32.2.
Variant type: single nucleotide variant.
Coding change: c.1718C>G on transcript NM_000562.3 (MANE Select); coding-DNA position 1718, C replaced by G.
Protein change: p.Ser573Trp; replaces serine 573 with tryptophan.
Molecular consequence: missense variant.
Genome position (GRCh38, 1-based): chr1:56,917,679, C>G. VCF-style: chr1-56917679-C-G. GRCh37 (hg19) VCF-style: chr1-57383352-C-G.
Other names: c.1718C>G (NM_000562.2); short protein forms S573W.
Identifiers: ClinVar variation 1348993 (VCV001348993.7), dbSNP rs755053334, ClinGen allele CA22846350.